The following is an entry in ClinVar:

ClinVar aggregate classification (germline): Pathogenic (1 of 4 stars; one submission).

Submission:

Labcorp Genetics (formerly Invitae), Labcorp
Classification: Pathogenic. Last evaluated: 2020-11-28. Review status: criteria provided, single submitter. Criteria: Invitae Variant Classification Sherloc (09022015). Collection method: clinical testing. Allele origin: germline.
Comment: For these reasons, this variant has been classified as Pathogenic. This variant disrupts the p.Arg2139 amino acid residue in ABCA4. Other variant(s) that disrupt this residue have been determined to be pathogenic (PMID: 25472526, 28559085, Invitae). This suggests that this residue is clinically significant, and that variants that disrupt this residue are likely to be disease-causing. This variant has been observed in individual(s) with clinical features of inherited retinal dystrophy (Invitae). In at least one individual the data is consistent with the variant being in trans (on the opposite chromosome) from a pathogenic variant. This variant results in the deletion of exon(s) 47 and part of exon 46 (c.6313_6479+258del) of the ABCA4 gene. It is expected to disrupt RNA splicing. Variants that disrupt the donor or acceptor splice site typically lead to a loss of protein function (PMID: 16199547), and loss-of-function variants in ABCA4 are known to be pathogenic (PMID: 10958761, 24938718, 25312043, 26780318).

Literature cited by the submitters: PubMed 25472526; PubMed 28559085; PubMed 16199547; PubMed 10958761; PubMed 24938718; PubMed 25312043; PubMed 26780318.

NC_000001.10:g.(?_94466134)_(94466631_?)del

Gene: ABCA4 (ATP binding cassette subfamily A member 4; minus strand). Cytogenetic location: 1p22.1.
Variant type: Deletion.
Identifiers: ClinVar variation 1452375 (VCV001452375.4).